The following is an entry in ClinVar:

NM_000051.4(ATM):c.5918+2T>A

Genes: ATM (ATM serine/threonine kinase; plus strand), C11orf65 (chromosome 11 open reading frame 65; minus strand). Cytogenetic location: 11q22.3.
Variant type: single nucleotide variant.
Coding change: c.5918+2T>A on transcript NM_000051.4 (MANE Select); the canonical splice donor site of the intron after coding-DNA position 5918, T replaced by A.
Molecular consequence: splice donor variant. On other transcripts: intron variant (2).
Genome position (GRCh38, 1-based): chr11:108,310,317, T>A. VCF-style: chr11-108310317-T-A. GRCh37 (hg19) VCF-style: chr11-108181044-T-A.
Other names: c.5918+2T>A (NM_001351834.2); c.641-1246A>T (NM_001330368.2); c.*39-1246A>T (NM_001351110.2).
Identifiers: ClinVar variation 1801537 (VCV001801537.14), dbSNP rs2547030807, ClinGen allele CA382548617.
Genomic context (GRCh38, chr11:108,310,317, plus strand): 5'-GCTTTACTCTATGCAGAAATCTATGCAGATAAGAAAAGTATGGATGATCAAGAGAAAAGG[T>A]AATGGAATTTAGAATTTTTGGTTTTTAAAATTAATGTTGGCATTGTCTCAATAAGGGTAT-3'

ClinVar aggregate classification (germline): Likely pathogenic. Review status: criteria provided, single submitter (1 of 4 stars). 2 submissions from 2 submitters: Likely pathogenic (1). 1 of the submissions does not count toward it. Last evaluated 2023-08-17.

Conditions:
Gastric cancer. Also called: Malignant tumor of stomach; Stomach cancer. Identifiers: MedGen C0024623, MeSH D013274, MONDO:0001056, OMIM 613659, HP:0012126.
Ataxia-telangiectasia syndrome (AT). Also called: Ataxia-telangiectasia, complementation group D; AT, COMPLEMENTATION GROUP C; ATAXIA-TELANGIECTASIA, COMPLEMENTATION GROUP A; ATAXIA-TELANGIECTASIA, FRESNO VARIANT; Ataxia-telangiectasia, complementation group E; LOUIS-BAR SYNDROME. Identifiers: Orphanet 100, MedGen C0004135, MONDO:0008840, OMIM 208900.

Submissions (2):

Labcorp Genetics (formerly Invitae), Labcorp
Classification: Likely pathogenic for Ataxia-telangiectasia syndrome. Last evaluated: 2023-08-17. Review status: criteria provided, single submitter. Criteria: Invitae Variant Classification Sherloc (09022015). Collection method: clinical testing. Allele origin: germline.
Comment: In summary, the currently available evidence indicates that the variant is pathogenic, but additional data are needed to prove that conclusively. Therefore, this variant has been classified as Likely Pathogenic. Algorithms developed to predict the effect of sequence changes on RNA splicing suggest that this variant may disrupt the consensus splice site. ClinVar contains an entry for this variant (Variation ID: 1801537). This variant has not been reported in the literature in individuals affected with ATM-related conditions. This variant is not present in population databases (gnomAD no frequency). This sequence change affects a donor splice site in intron 39 of the ATM gene. It is expected to disrupt RNA splicing. Variants that disrupt the donor or acceptor splice site typically lead to a loss of protein function (PMID: 16199547), and loss-of-function variants in ATM are known to be pathogenic (PMID: 23807571, 25614872).

Laboratory for Genotyping Development, RIKEN
Classification: Pathogenic for Gastric cancer. Last evaluated: 2021-07-01. Review status: no assertion criteria provided. Collection method: research. Allele origin: germline. Not counted in ClinVar's aggregate classification.

Literature cited by the submitters: PubMed 16199547 (cited by Labcorp Genetics (formerly Invitae), Labcorp); PubMed 23807571 (cited by Labcorp Genetics (formerly Invitae), Labcorp); PubMed 25614872 (cited by Labcorp Genetics (formerly Invitae), Labcorp); PubMed 36988593 (cited by Laboratory for Genotyping Development, RIKEN).